The following is an entry in ClinVar:

ClinVar aggregate classification (germline): Uncertain significance (1 of 4 stars; one submission).

Allele frequency attached by ClinVar (database versions not stated): TOPMed below 0.00001.

Submission:

Labcorp Genetics (formerly Invitae), Labcorp
Classification: Uncertain significance. Last evaluated: 2022-02-10. Review status: criteria provided, single submitter. Criteria: Invitae Variant Classification Sherloc (09022015). Collection method: clinical testing. Allele origin: germline.
Comment: This variant has not been reported in the literature in individuals affected with PCDH15-related conditions. Algorithms developed to predict the effect of missense changes on protein structure and function (SIFT, PolyPhen-2, Align-GVGD) all suggest that this variant is likely to be tolerated. In summary, the available evidence is currently insufficient to determine the role of this variant in disease. Therefore, it has been classified as a Variant of Uncertain Significance. This sequence change replaces asparagine, which is neutral and polar, with serine, which is neutral and polar, at codon 1092 of the PCDH15 protein (p.Asn1092Ser). This variant is not present in population databases (gnomAD no frequency).

NM_001384140.1(PCDH15):c.3275A>G (p.Asn1092Ser)

Gene: PCDH15 (protocadherin related 15; minus strand). Cytogenetic location: 10q21.1.
Variant type: single nucleotide variant.
Coding change: c.3275A>G on transcript NM_001384140.1 (MANE Select); coding-DNA position 3275, A replaced by G.
Protein change: p.Asn1092Ser; replaces asparagine 1092 with serine.
Molecular consequence: missense variant.
Genome position (GRCh38, 1-based): chr10:53,938,913, T>C on the plus strand (A>G on the coding strand, the complement: PCDH15 is on the minus strand). VCF-style: chr10-53938913-T-C. GRCh37 (hg19) VCF-style: chr10-55698673-T-C.
Other names: c.3290A>G, p.Asn1097Ser (NM_001142763.2, NM_001142771.2); c.3275A>G, p.Asn1092Ser (NM_001142764.2, NM_001142766.2, NM_001142770.3 and 4 more transcripts); c.3062A>G, p.Asn1021Ser (NM_001142765.2); c.3164A>G, p.Asn1055Ser (NM_001142767.2); c.3209A>G, p.Asn1070Ser (NM_001142768.2, NM_001142773.2, NM_001354404.2); c.3311A>G, p.Asn1104Ser (NM_001142769.4); c.3296A>G, p.Asn1099Ser (NM_001354411.2); short protein forms N1104S, N1021S, N1055S, N1070S, N1099S, N1092S, N1097S.
Identifiers: ClinVar variation 1462848 (VCV001462848.8), dbSNP rs2085810873, ClinGen allele CA376516310.